The following is an entry in ClinVar:

ClinVar aggregate classification (germline): Uncertain significance. Review status: criteria provided, multiple submitters, no conflicts (2 of 4 stars). 2 submissions from 2 submitters: Uncertain significance (2). Last evaluated 2026-04-28.

Submissions (2):

Ambry Genetics
Classification: Uncertain significance. Last evaluated: 2026-04-28. Review status: criteria provided, single submitter. Criteria: Ambry Variant Classification Scheme 2023. Collection method: clinical testing. Allele origin: germline.
Comment: The c.851G>T (p.W284L) alteration is located in exon 3 (coding exon 3) of the CYP7A1 gene. This alteration results from a G to T substitution at nucleotide position 851, causing the tryptophan (W) at amino acid position 284 to be replaced by a leucine (L). Based on data from gnomAD, the T allele has an overall frequency of 0.002% (5/282868) total alleles studied. The highest observed frequency was 0.014% (1/7226) of Other alleles. Based on insufficient or conflicting evidence, the clinical significance of this alteration remains unclear.

Labcorp Genetics (formerly Invitae), Labcorp
Classification: Uncertain significance. Last evaluated: 2024-04-08. Review status: criteria provided, single submitter. Criteria: Invitae Variant Classification Sherloc (09022015). Collection method: clinical testing. Allele origin: germline.
Comment: This sequence change replaces tryptophan, which is neutral and slightly polar, with leucine, which is neutral and non-polar, at codon 284 of the CYP7A1 protein (p.Trp284Leu). This variant is present in population databases (rs528732489, gnomAD 0.004%). This variant has not been reported in the literature in individuals affected with CYP7A1-related conditions. Advanced modeling of protein sequence and biophysical properties (such as structural, functional, and spatial information, amino acid conservation, physicochemical variation, residue mobility, and thermodynamic stability) performed at Invitae indicates that this missense variant is expected to disrupt CYP7A1 protein function with a positive predictive value of 80%. In summary, the available evidence is currently insufficient to determine the role of this variant in disease. Therefore, it has been classified as a Variant of Uncertain Significance.

NM_000780.4(CYP7A1):c.851G>T (p.Trp284Leu)

Gene: CYP7A1 (cytochrome P450 family 7 subfamily A member 1; minus strand). Cytogenetic location: 8q12.1.
Variant type: single nucleotide variant.
Coding change: c.851G>T on transcript NM_000780.4 (MANE Select); coding-DNA position 851, G replaced by T.
Protein change: p.Trp284Leu; replaces tryptophan 284 with leucine.
Molecular consequence: missense variant.
Genome position (GRCh38, 1-based): chr8:58,496,661, C>A on the plus strand (G>T on the coding strand, the complement: CYP7A1 is on the minus strand). VCF-style: chr8-58496661-C-A. GRCh37 (hg19) VCF-style: chr8-59409220-C-A.
Other names: c.851G>T (NM_000780.3); short protein forms W284L.
Identifiers: ClinVar variation 3717293 (VCV003717293.3).